The following is an entry in ClinVar:

NM_005431.2(XRCC2):c.432C>G (p.Cys144Trp)

Gene: XRCC2 (X-ray repair cross complementing 2; minus strand). Cytogenetic location: 7q36.1.
Variant type: single nucleotide variant.
Coding change: c.432C>G on transcript NM_005431.2 (MANE Select); coding-DNA position 432, C replaced by G.
Protein change: p.Cys144Trp; replaces cysteine 144 with tryptophan.
Molecular consequence: missense variant.
Genome position (GRCh38, 1-based): chr7:152,649,053, G>C on the plus strand (C>G on the coding strand, the complement: XRCC2 is on the minus strand). VCF-style: chr7-152649053-G-C. GRCh37 (hg19) VCF-style: chr7-152346138-G-C.
Other names: short protein forms C144W.
Identifiers: ClinVar variation 3333543 (VCV003333543.1).

ClinVar aggregate classification (germline): Uncertain significance (1 of 4 stars; one submission).

Conditions:
Hereditary cancer-predisposing syndrome. Also called: Neoplastic Syndromes, Hereditary; Tumor predisposition; Hereditary neoplastic syndrome; Hereditary Cancer Syndrome. Identifiers: Orphanet 140162, MedGen C0027672, MeSH D009386, MONDO:0015356.

Submission:

Ambry Genetics
Classification: Uncertain significance for Hereditary cancer-predisposing syndrome. Last evaluated: 2024-05-17. Review status: criteria provided, single submitter. Criteria: Ambry Variant Classification Scheme 2023. Collection method: clinical testing. Allele origin: germline.
Comment: The p.C144W variant (also known as c.432C>G), located in coding exon 3 of the XRCC2 gene, results from a C to G substitution at nucleotide position 432. The cysteine at codon 144 is replaced by tryptophan, an amino acid with highly dissimilar properties. This amino acid position is conserved. In addition, the in silico prediction for this alteration is inconclusive. Based on the available evidence, the clinical significance of this variant remains unclear.